The following is an entry in ClinVar:

NM_002241.5(KCNJ10):c.305dup (p.Ala103fs)

Gene: KCNJ10 (potassium inwardly rectifying channel subfamily J member 10; minus strand). Cytogenetic location: 1q23.2.
Variant type: Duplication.
Coding change: c.305dup on transcript NM_002241.5 (MANE Select); coding-DNA position 305, one base duplicated (C; older notation c.305dupC).
Protein change: p.Ala103fs; shifts the reading frame from alanine 103.
Molecular consequence: frameshift variant.
Genome position (GRCh38, 1-based): chr1:160,042,228, G duplicated on the plus strand (C on the coding strand, the reverse complement: KCNJ10 is on the minus strand); the first of 6 consecutive G bases (chr1:160,042,228-160,042,233); duplicating any one gives the same sequence. VCF-style (leftmost placement, unchanged base first): chr1-160042227-C-CG. GRCh37 (hg19) VCF-style: chr1-160012017-C-CG.
Other names: short protein forms A103fs.
Identifiers: ClinVar variation 2573206 (VCV002573206.1), dbSNP rs765409185, ClinGen allele CA1202156886.

ClinVar aggregate classification (germline): Likely pathogenic (1 of 4 stars; one submission).

Conditions:
EAST syndrome (SESAMES). Also called: SEIZURES, SENSORINEURAL DEAFNESS, ATAXIA, IMPAIRED INTELLECTUAL DEVELOPMENT, AND ELECTROLYTE IMBALANCE. Identifiers: Orphanet 199343, MedGen C2748572, MONDO:0013005, OMIM 612780.

Submission:

Diagnostics Services (NGS), CSIR - Centre For Cellular And Molecular Biology
Classification: Likely pathogenic for EAST syndrome. Last evaluated: 2023-07-24. Review status: criteria provided, single submitter. Criteria: ACMG Guidelines, 2015. Collection method: clinical testing. Allele origin: germline. Affected: yes. Observed: 1 variant allele, 1 homozygote.
Comment: The c.305dup variant is not present in publicly available population databases like 1000 Genomes, ExAC, EVS, gnomAD, Indian Exome Database or our in-house exome database. The variant has neither been published in the literature for KCNJ10-related conditions nor reported to clinical databases like ClinVar, Human Genome Mutation Database (HGMD) or OMIM, in any affected individuals. In-silico pathogenicity programs like MutationTaster2, CADD, Varsome, Franklin etc predicted this variant to be likely deleterious. This variant causes frameshift at the 103rd amino acid position of the wild-type transcript which creates a premature translational stop signal in the altered transcript that may either result in translation of a truncated protein or cause nonsense-mediated decay of the mRNA.